The following is an entry in ClinVar:

NM_030665.4(RAI1):c.3655C>T (p.Leu1219Phe)

Gene: RAI1 (retinoic acid induced 1; plus strand). Cytogenetic location: 17p11.2.
Variant type: single nucleotide variant.
Coding change: c.3655C>T on transcript NM_030665.4 (MANE Select); coding-DNA position 3655, C replaced by T.
Protein change: p.Leu1219Phe; replaces leucine 1219 with phenylalanine.
Molecular consequence: missense variant.
Genome position (GRCh38, 1-based): chr17:17,796,603, C>T. VCF-style: chr17-17796603-C-T. GRCh37 (hg19) VCF-style: chr17-17699917-C-T.
Other names: short protein forms L1219F.
Identifiers: ClinVar variation 281541 (VCV000281541.37), dbSNP rs151290050, ClinGen allele CA8418770.

ClinVar aggregate classification (germline): Benign/Likely benign. Review status: criteria provided, multiple submitters, no conflicts (2 of 4 stars). 6 submissions from 6 submitters: Benign (3); Likely benign (3). Last evaluated 2026-05-01.

Conditions:
Inborn genetic diseases. Identifiers: MedGen C0950123, MeSH D030342.

Allele frequency attached by ClinVar (database versions not stated): ExAC 0.00038; 1000 Genomes Project 30x 0.00078; 1000 Genomes Project 0.00080; ESP Exome Variant Server 0.00085; gnomAD 0.00121 and 0.00136; TOPMed 0.00129.
gnomAD v4.1: 380 of 1,612,234 alleles (0.024%); highest among the groups gnomAD compares: African/African-American, 0.46%; 1 homozygote.

Submissions (6):

CeGaT Center for Human Genetics Tuebingen
Classification: Likely benign. Last evaluated: 2026-05-01. Review status: criteria provided, single submitter. Criteria: CeGaT Center For Human Genetics Tuebingen Variant Classification Criteria Version 2. Collection method: clinical testing. Allele origin: germline. Affected: yes. Observed: 3 variant alleles.
Comment: RAI1: BS1

Labcorp Genetics (formerly Invitae), Labcorp
Classification: Benign. Last evaluated: 2026-02-03. Review status: criteria provided, single submitter. Criteria: Invitae Variant Classification Sherloc (09022015). Collection method: clinical testing. Allele origin: germline.

Blueprint Genetics
Classification: Benign. Last evaluated: 2024-04-22. Review status: criteria provided, single submitter. Criteria: ACMG Guidelines, 2015. Collection method: clinical testing. Allele origin: germline.

GeneDx
Classification: Benign. Last evaluated: 2020-03-03. Review status: criteria provided, single submitter. Criteria: GeneDx Variant Classification Process June 2021. Collection method: clinical testing. Allele origin: germline. Affected: yes.

Ambry Genetics
Classification: Likely benign for Inborn genetic diseases. Last evaluated: 2017-12-01. Review status: criteria provided, single submitter. Criteria: Ambry Variant Classification Scheme 2023. Collection method: clinical testing. Allele origin: germline.

Eurofins Ntd Llc (ga)
Classification: Likely benign. Last evaluated: 2015-06-16. Review status: criteria provided, single submitter. Criteria: EGL Classification Definitions 2015. Collection method: clinical testing. Allele origin: germline. Observed: 1 variant allele, 1 heterozygote.